The following is an entry in ClinVar:

NM_015046.7(SETX):c.784A>G (p.Lys262Glu)

Gene: SETX (senataxin; minus strand). Cytogenetic location: 9q34.13.
Variant type: single nucleotide variant.
Coding change: c.784A>G on transcript NM_015046.7 (MANE Select); coding-DNA position 784, A replaced by G.
Protein change: p.Lys262Glu; replaces lysine 262 with glutamic acid.
Molecular consequence: missense variant.
Genome position (GRCh38, 1-based): chr9:132,334,662, T>C on the plus strand (A>G on the coding strand, the complement: SETX is on the minus strand). VCF-style: chr9-132334662-T-C. GRCh37 (hg19) VCF-style: chr9-135210049-T-C.
Other names: c.784A>G, p.Lys262Glu (NM_001351527.2, NM_001351528.2); short protein forms K262E.
Identifiers: ClinVar variation 1059535 (VCV001059535.9), dbSNP rs2131492208, ClinGen allele CA375348633.

ClinVar aggregate classification (germline): Uncertain significance (1 of 4 stars; one submission).

Conditions:
Amyotrophic lateral sclerosis type 4 (ALS4). Also called: NEURONOPATHY, DISTAL HEREDITARY MOTOR, WITH PYRAMIDAL FEATURES; AMYOTROPHIC LATERAL SCLEROSIS 4, JUVENILE. Identifiers: Orphanet 357043, MedGen C1865409, MONDO:0011223, OMIM 602433.
Spinocerebellar ataxia, autosomal recessive, with axonal neuropathy 2 (SCAN2). Also called: Ataxia-ocular apraxia-2; ATAXIA-OCULOMOTOR APRAXIA 2; Ataxia with Oculomotor Apraxia; Ataxia with Oculomotor Apraxia Type 2. Identifiers: Orphanet 64753, MedGen C1853761, MONDO:0018996, OMIM 606002.

Allele frequency attached by ClinVar (database versions not stated): gnomAD exomes below 0.00001.
gnomAD v4.1: 1 of 1,614,038 alleles (0.000062%); highest among the groups gnomAD compares: Non-Finnish European, 0.000085%; no homozygotes.

Submission:

Labcorp Genetics (formerly Invitae), Labcorp
Classification: Uncertain significance for Amyotrophic lateral sclerosis type 4; Spinocerebellar ataxia, autosomal recessive, with axonal neuropathy 2. Last evaluated: 2022-08-15. Review status: criteria provided, single submitter. Criteria: Invitae Variant Classification Sherloc (09022015). Collection method: clinical testing. Allele origin: germline.
Comment: This variant has not been reported in the literature in individuals affected with SETX-related conditions. In summary, the available evidence is currently insufficient to determine the role of this variant in disease. Therefore, it has been classified as a Variant of Uncertain Significance. Advanced modeling of protein sequence and biophysical properties (such as structural, functional, and spatial information, amino acid conservation, physicochemical variation, residue mobility, and thermodynamic stability) performed at Invitae indicates that this missense variant is expected to disrupt SETX protein function. ClinVar contains an entry for this variant (Variation ID: 1059535). This variant is not present in population databases (gnomAD no frequency). This sequence change replaces lysine, which is basic and polar, with glutamic acid, which is acidic and polar, at codon 262 of the SETX protein (p.Lys262Glu).